The following is an entry in ClinVar:

ClinVar aggregate classification (germline): Likely pathogenic. Review status: reviewed by expert panel (3 of 4 stars). 2 submissions from 2 submitters: Likely pathogenic (1). 1 of the submissions does not count toward it. Last evaluated 2019-04-03.

Conditions:
Phenylketonuria (PKU). Also called: Phenylketonuria (PKU); FOLLING DISEASE; OLIGOPHRENIA PHENYLPYRUVICA; Phenylketonurias. Identifiers: Orphanet 716, MedGen C0031485, MONDO:0009861, OMIM 261600. Disease mechanism: loss of function.

Submissions (2):

ClinGen PAH Variant Curation Expert Panel
Classification: Likely pathogenic for Phenylketonuria. Last evaluated: 2019-04-03. Review status: reviewed by expert panel. Criteria: ClinGen PAH ACMG Specifications v1. Collection method: curation. Allele origin: germline. Inheritance: Autosomal recessive inheritance.
Comment: The c.907T>C (p.Ser303Pro) variant in PAH has been reported in 1 affected individual (BH4 deficiency excluded). (PP4_Moderate; PMID: 9634518). This variant is absent in population databases (PM2). This variant was detected with p.D282G (LP via PAH workgroup) (PM3; PMID: 16256386). Computational evidence supports a deleterious effect (PP3). In summary, this variant meets criteria to be classified as likely pathogenic for PAH. PAH-specific ACMG/AMP criteria applied: PP4_Moderate, PM2, PM3, PP3.

DeBelle Laboratory for Biochemical Genetics, MUHC/MCH RESEARCH INSTITUTE
No classification provided. Review status: no classification provided. Collection method: not provided. Allele origin: not provided. Not counted in ClinVar's aggregate classification.

Literature cited by the submitters: PubMed 16256386 (cited by ClinGen PAH Variant Curation Expert Panel); PubMed 9634518 (cited by ClinGen PAH Variant Curation Expert Panel).

NM_000277.3(PAH):c.907T>C (p.Ser303Pro)

Genes: PAH (phenylalanine hydroxylase; minus strand), LOC126861615 (CDK7 strongly-dependent group 2 enhancer GRCh37_chr12:103244689-103245888; plus strand). Cytogenetic location: 12q23.2.
Variant type: single nucleotide variant.
Coding change: c.907T>C on transcript NM_000277.3 (MANE Select); coding-DNA position 907, T replaced by C.
Protein change: p.Ser303Pro; replaces serine 303 with proline.
Molecular consequence: missense variant.
Genome position (GRCh38, 1-based): chr12:102,851,692, A>G on the plus strand (T>C on the coding strand, the complement: PAH is on the minus strand). VCF-style: chr12-102851692-A-G. GRCh37 (hg19) VCF-style: chr12-103245470-A-G.
Other names: c.907T>C, p.Ser303Pro (NM_001354304.2); short protein forms S303P.
Identifiers: ClinVar variation 102889 (VCV000102889.2), dbSNP rs199475608, ClinGen allele CA229841.
Genomic context (GRCh38, chr12:102,851,692, plus strand): 5'-TGAGAAATTCAGGTCACAGACCTATAACTAGAAGGCTAAAAAATCCATTCCTTACCTGGG[A>G]AAACTGGGCAAAGCTGCGATCTGAAAACAAGGGCACATGTCCCAACAGCTCATGGCAGAT-3'
Protein context (NP_000268.1, residues 293-313): LFSDRSFAQF[Ser303Pro]QEIGLASLGA